The following is an entry in ClinVar:

NM_000152.5(GAA):c.1819G>T (p.Gly607Cys)

Gene: GAA (alpha glucosidase; plus strand). Cytogenetic location: 17q25.3.
Variant type: single nucleotide variant.
Coding change: c.1819G>T on transcript NM_000152.5 (MANE Select); coding-DNA position 1819, G replaced by T.
Protein change: p.Gly607Cys; replaces glycine 607 with cysteine.
Molecular consequence: missense variant.
Genome position (GRCh38, 1-based): chr17:80,112,642, G>T. VCF-style: chr17-80112642-G-T. GRCh37 (hg19) VCF-style: chr17-78086441-G-T.
Other names: c.1819G>T, p.Gly607Cys (NM_001079803.3, NM_001079804.3, NM_001406741.1 and 1 more transcripts); short protein forms G607C.
Identifiers: ClinVar variation 2118057 (VCV002118057.4), dbSNP rs940955642, ClinGen allele CA401369504.

ClinVar aggregate classification (germline): Likely pathogenic (1 of 4 stars; one submission).

Conditions:
Glycogen storage disease, type II (IOPD). Also called: Glycogen storage disease type 2; Acid maltase deficiency disease; Aglucosidase alfa; Deficiency of alpha-glucosidase; Deficiency of lysosomal alpha-glucosidase; Glucosidase acid-1,4-alpha deficiency. Identifiers: Orphanet 365, MedGen C0017921, MONDO:0009290, OMIM 232300.

Submission:

Labcorp Genetics (formerly Invitae), Labcorp
Classification: Likely pathogenic for Glycogen storage disease, type II. Last evaluated: 2025-11-03. Review status: criteria provided, single submitter. Criteria: Invitae Variant Classification Sherloc (09022015). Collection method: clinical testing. Allele origin: germline.
Comment: This sequence change replaces glycine, which is neutral and non-polar, with cysteine, which is neutral and slightly polar, at codon 607 of the GAA protein (p.Gly607Cys). This variant is not present in population databases (gnomAD no frequency). This variant has not been reported in the literature in individuals affected with GAA-related conditions. ClinVar contains an entry for this variant (Variation ID: 2118057). Invitae Evidence Modeling of protein sequence and biophysical properties (such as structural, functional, and spatial information, amino acid conservation, physicochemical variation, residue mobility, and thermodynamic stability) indicates that this missense variant is expected to disrupt GAA protein function with a positive predictive value of 95%. This variant disrupts the p.Gly607 amino acid residue in GAA. Other variant(s) that disrupt this residue have been determined to be pathogenic (PMID: 14695532, 29889338; internal data). This suggests that this residue is clinically significant, and that variants that disrupt this residue are likely to be disease-causing. In summary, the currently available evidence indicates that the variant is pathogenic, but additional data are needed to prove that conclusively. Therefore, this variant has been classified as Likely Pathogenic.

Literature cited by the submitters: PubMed 14695532; PubMed 29889338.